The following is an entry in ClinVar:

ClinVar aggregate classification (germline): Uncertain significance (1 of 4 stars; one submission).

Conditions:
Immunodeficiency 51 (IMD51). Also called: CANDIDIASIS, FAMILIAL, 5. Identifiers: Orphanet 1334, MedGen C4310803, MONDO:0013500, OMIM 613953.

Allele frequency attached by ClinVar (database versions not stated): TOPMed below 0.00001; gnomAD exomes 0.00001.
gnomAD v4.1: 21 of 1,518,108 alleles (0.0014%); highest among the groups gnomAD compares: Admixed American, 0.002%; no homozygotes.

Submission:

Labcorp Genetics (formerly Invitae), Labcorp
Classification: Uncertain significance for Immunodeficiency 51. Last evaluated: 2021-06-16. Review status: criteria provided, single submitter. Criteria: Invitae Variant Classification Sherloc (09022015). Collection method: clinical testing. Allele origin: germline.
Comment: In summary, the available evidence is currently insufficient to determine the role of this variant in disease. Therefore, it has been classified as a Variant of Uncertain Significance. Algorithms developed to predict the effect of missense changes on protein structure and function are either unavailable or do not agree on the potential impact of this missense change (SIFT: "Tolerated"; PolyPhen-2: "Possibly Damaging"; Align-GVGD: "Class C15"). This variant has not been reported in the literature in individuals with IL17RA-related conditions. The frequency data for this variant in the population databases is considered unreliable, as metrics indicate insufficient coverage at this position in the ExAC database. This sequence change replaces glycine with cysteine at codon 658 of the IL17RA protein (p.Gly658Cys). The glycine residue is moderately conserved and there is a large physicochemical difference between glycine and cysteine.

NM_014339.7(IL17RA):c.1972G>T (p.Gly658Cys)

Gene: IL17RA (interleukin 17 receptor A; plus strand). Cytogenetic location: 22q11.1.
Variant type: single nucleotide variant.
Coding change: c.1972G>T on transcript NM_014339.7 (MANE Select); coding-DNA position 1972, G replaced by T.
Protein change: p.Gly658Cys; replaces glycine 658 with cysteine.
Molecular consequence: missense variant.
Genome position (GRCh38, 1-based): chr22:17,109,191, G>T. VCF-style: chr22-17109191-G-T. GRCh37 (hg19) VCF-style: chr22-17590081-G-T.
Other names: c.1870G>T, p.Gly624Cys (NM_001289905.2); short protein forms G624C, G658C.
Identifiers: ClinVar variation 1465039 (VCV001465039.8), dbSNP rs1218310098, ClinGen allele CA410219826.